The following is an entry in ClinVar:

ClinVar aggregate classification (germline): Uncertain significance (1 of 4 stars; one submission).

Conditions:
Familial adenomatous polyposis 1 (FAP1). Also called: FAMILIAL ADENOMATOUS POLYPOSIS 1, ATTENUATED; POLYPOSIS, ADENOMATOUS INTESTINAL. Identifiers: MedGen C2713442, MONDO:0021056, OMIM 175100. Disease mechanism: loss of function.

gnomAD v4.1: 1 of 1,614,016 alleles (0.000062%); highest among the groups gnomAD compares: East Asian, 0.0022%; no homozygotes.

Submission:

Labcorp Genetics (formerly Invitae), Labcorp
Classification: Uncertain significance for Familial adenomatous polyposis 1. Last evaluated: 2024-07-18. Review status: criteria provided, single submitter. Criteria: Invitae Variant Classification Sherloc (09022015). Collection method: clinical testing. Allele origin: germline.
Comment: This sequence change replaces glycine, which is neutral and non-polar, with cysteine, which is neutral and slightly polar, at codon 430 of the APC protein (p.Gly430Cys). This variant is not present in population databases (gnomAD no frequency). This variant has not been reported in the literature in individuals affected with APC-related conditions. ClinVar contains an entry for this variant (Variation ID: 1521638). Advanced modeling of protein sequence and biophysical properties (such as structural, functional, and spatial information, amino acid conservation, physicochemical variation, residue mobility, and thermodynamic stability) performed at Invitae indicates that this missense variant is not expected to disrupt APC protein function with a negative predictive value of 95%. In summary, the available evidence is currently insufficient to determine the role of this variant in disease. Therefore, it has been classified as a Variant of Uncertain Significance.

NM_000038.6(APC):c.1288G>T (p.Gly430Cys)

Gene: APC (APC regulator of Wnt signaling pathway; plus strand). Cytogenetic location: 5q22.2.
Variant type: single nucleotide variant.
Coding change: c.1288G>T on transcript NM_000038.6 (MANE Select); coding-DNA position 1288, G replaced by T.
Protein change: p.Gly430Cys; replaces glycine 430 with cysteine.
Molecular consequence: missense variant.
Genome position (GRCh38, 1-based): chr5:112,819,320, G>T. VCF-style: chr5-112819320-G-T. GRCh37 (hg19) VCF-style: chr5-112155017-G-T.
Other names: c.1288G>T, p.Gly430Cys (NM_001127510.3, NM_001354895.2, NM_001354896.2); c.1234G>T, p.Gly412Cys (NM_001127511.3); c.1318G>T, p.Gly440Cys (NM_001354897.2); c.1213G>T, p.Gly405Cys (NM_001354898.2); c.1204G>T, p.Gly402Cys (NM_001354899.2); c.1111G>T, p.Gly371Cys (NM_001354900.2, NM_001354901.2); c.1015G>T, p.Gly339Cys (NM_001354902.2); c.985G>T, p.Gly329Cys (NM_001354903.2); and 3 more; short protein forms G270C, G339C, G402C, G405C, G304C, G147C, G329C, G371C.
Identifiers: ClinVar variation 1521638 (VCV001521638.8), dbSNP rs1762869952, ClinGen allele CA16024127.